The following is an entry in ClinVar:

NM_001364905.1(LRBA):c.4569+1G>A

Gene: LRBA (LPS responsive beige-like anchor protein; minus strand). Cytogenetic location: 4q31.3.
Variant type: single nucleotide variant.
Coding change: c.4569+1G>A on transcript NM_001364905.1 (MANE Select); the canonical splice donor site of the intron after coding-DNA position 4569, G replaced by A.
Molecular consequence: splice donor variant.
Genome position (GRCh38, 1-based): chr4:150,844,099, C>T on the plus strand (G>A on the coding strand, the complement: LRBA is on the minus strand). VCF-style: chr4-150844099-C-T. GRCh37 (hg19) VCF-style: chr4-151765251-C-T.
Other names: c.4569+1G>A (NM_001199282.3, NM_001440431.1, NM_001440430.1 and 2 more transcripts).
Identifiers: ClinVar variation 4852396 (VCV004852396.1).
Genomic context (GRCh38, chr4:150,844,099, plus strand): 5'-TAGGCCTAAGAGGAAATATGCATCAGTTAAGAGAGTATGTGAAAGACATATTGTAACTTA[C>T]TATGTCTCTGAAAACAACTGCCCTAAGCCGATTAATATCCATGTCCTGTAGAAGCCTGTC-3'

ClinVar aggregate classification (germline): Pathogenic (1 of 4 stars; one submission).

Conditions:
Combined immunodeficiency due to LRBA deficiency. Also called: Common variable immunodeficiency 8, with autoimmunity. Identifiers: Orphanet 445018, MedGen C3553512, MONDO:0013863, OMIM 614700.

Submission:

Clinical Immunology, Karolinska University Hospital
Classification: Pathogenic for Combined immunodeficiency due to LRBA deficiency. Last evaluated: 2026-05-22. Review status: criteria provided, single submitter. Criteria: ACMG Guidelines, 2015. Collection method: clinical testing. Allele origin: germline. Inheritance: Autosomal recessive inheritance. Affected: yes.
Comment: PVS1, PM2, PP3 (Slice AI), in trans with other pathogenic splice variant: PM3